The following is an entry in ClinVar:

NM_014000.3(VCL):c.2554C>T (p.Leu852Phe)

Gene: VCL (vinculin; plus strand). Cytogenetic location: 10q22.2.
Variant type: single nucleotide variant.
Coding change: c.2554C>T on transcript NM_014000.3 (MANE Select); coding-DNA position 2554, C replaced by T.
Protein change: p.Leu852Phe; replaces leucine 852 with phenylalanine.
Molecular consequence: missense variant.
Genome position (GRCh38, 1-based): chr10:74,107,349, C>T. VCF-style: chr10-74107349-C-T. GRCh37 (hg19) VCF-style: chr10-75867107-C-T.
Other names: c.2554C>T, p.Leu852Phe (NM_003373.4); short protein forms L852F.
Identifiers: ClinVar variation 2753952 (VCV002753952.3), dbSNP rs2549233519, ClinGen allele CA377263903.

ClinVar aggregate classification (germline): Uncertain significance (1 of 4 stars; one submission).

Conditions:
Dilated cardiomyopathy 1W (CMD1W). Identifiers: Orphanet 154, MedGen C1969639, MONDO:0012667, OMIM 611407.

Allele frequency attached by ClinVar (database versions not stated): gnomAD exomes below 0.00001.
gnomAD v4.1: 3 of 1,614,220 alleles (0.00019%); highest among the groups gnomAD compares: Non-Finnish European, 0.00025%; no homozygotes.

Submission:

Labcorp Genetics (formerly Invitae), Labcorp
Classification: Uncertain significance for Dilated cardiomyopathy 1W. Last evaluated: 2023-08-19. Review status: criteria provided, single submitter. Criteria: Invitae Variant Classification Sherloc (09022015). Collection method: clinical testing. Allele origin: germline.
Comment: In summary, the available evidence is currently insufficient to determine the role of this variant in disease. Therefore, it has been classified as a Variant of Uncertain Significance. An algorithm developed to predict the effect of missense changes on protein structure and function (PolyPhen-2) suggests that this variant is likely to be disruptive. This variant has not been reported in the literature in individuals affected with VCL-related conditions. This variant is not present in population databases (gnomAD no frequency). This sequence change replaces leucine, which is neutral and non-polar, with phenylalanine, which is neutral and non-polar, at codon 852 of the VCL protein (p.Leu852Phe).